The following is an entry in ClinVar:

NM_032043.3(BRIP1):c.3639A>G (p.Val1213=)

Gene: BRIP1 (BRCA1 interacting DNA helicase 1; minus strand). Cytogenetic location: 17q23.2.
Variant type: single nucleotide variant.
Coding change: c.3639A>G on transcript NM_032043.3 (MANE Select); coding-DNA position 3639, A replaced by G.
Protein change: p.Val1213=; no amino-acid change (valine 1213 retained).
Molecular consequence: synonymous variant.
Genome position (GRCh38, 1-based): chr17:61,683,407, T>C on the plus strand (A>G on the coding strand, the complement: BRIP1 is on the minus strand). VCF-style: chr17-61683407-T-C. GRCh37 (hg19) VCF-style: chr17-59760768-T-C.
Other names: c.3639A>G (NM_032043.2).
Identifiers: ClinVar variation 1605071 (VCV001605071.11), dbSNP rs2144069102, ClinGen allele CA501335142.

ClinVar aggregate classification (germline): Benign/Likely benign. Review status: criteria provided, multiple submitters, no conflicts (2 of 4 stars). 3 submissions from 3 submitters: Benign (1); Likely benign (2). Last evaluated 2025-08-17.

Conditions:
Familial cancer of breast. Also called: hereditary breast carcinoma; Hereditary breast cancer; BREAST CANCER, FAMILIAL. Identifiers: Orphanet 227535, MedGen C0346153, MONDO:0016419, OMIM 114480. Disease mechanism: loss of function.
Fanconi anemia complementation group J. Also called: BRIP1-Related Fanconi Anemia. Identifiers: Orphanet 84, MedGen C1836860, MONDO:0012187, OMIM 609054.
Hereditary cancer-predisposing syndrome. Also called: Hereditary neoplastic syndrome; Hereditary Cancer Syndrome; Neoplastic Syndromes, Hereditary; Tumor predisposition. Identifiers: Orphanet 140162, MedGen C0027672, MeSH D009386, MONDO:0015356.

Submissions (3):

Labcorp Genetics (formerly Invitae), Labcorp
Classification: Likely benign for Familial cancer of breast; Fanconi anemia complementation group J. Last evaluated: 2025-08-17. Review status: criteria provided, single submitter. Criteria: Invitae Variant Classification Sherloc (09022015). Collection method: clinical testing. Allele origin: germline.

Myriad Genetics, Inc.
Classification: Benign for Familial cancer of breast. Last evaluated: 2024-09-10. Review status: criteria provided, single submitter. Criteria: Myriad Autosomal Dominant, Autosomal Recessive and X-Linked Classification Criteria (2023). Collection method: clinical testing. Allele origin: unknown.
Comment: This variant is considered benign. This variant is a silent/synonymous amino acid change and it is not expected to impact splicing.

Ambry Genetics
Classification: Likely benign for Hereditary cancer-predisposing syndrome. Last evaluated: 2023-12-01. Review status: criteria provided, single submitter. Criteria: Ambry Variant Classification Scheme 2023. Collection method: clinical testing. Allele origin: germline.